The following is an entry in ClinVar:

NM_001303.4(COX10):c.929-7C>T

Gene: COX10 (cytochrome c oxidase assembly factor heme A:farnesyltransferase COX10; plus strand). Cytogenetic location: 17p12.
Variant type: single nucleotide variant.
Coding change: c.929-7C>T on transcript NM_001303.4 (MANE Select); 7 bases into the intron before coding-DNA position 929, C replaced by T.
Molecular consequence: intron variant.
Genome position (GRCh38, 1-based): chr17:14,206,803, C>T. VCF-style: chr17-14206803-C-T. GRCh37 (hg19) VCF-style: chr17-14110120-C-T.
Identifiers: ClinVar variation 136999 (VCV000136999.63), dbSNP rs62052075, ClinGen allele CA203461.

ClinVar aggregate classification (germline): Conflicting classifications of pathogenicity. Review status: criteria provided, conflicting classifications (1 of 4 stars). 10 submissions from 9 submitters: Uncertain significance (2); Benign (2); Likely benign (3). 3 of the submissions do not count toward it. Last evaluated 2026-01-05.

Conditions:
Leigh syndrome (NULS). Also called: Leigh Disease; LEIGH SYNDROME, NUCLEAR; Leigh Syndrome (mtDNA deletion); Leigh's necrotizing encephalopathy; Leigh's disease; Leigh's syndrome. Identifiers: Orphanet 506, MedGen C2931891, MONDO:0009723, OMIM 256000.
Mitochondrial complex IV deficiency, nuclear type 1 (MC4DN1). Also called: Mitochondrial complex IV deficiency; COX DEFICIENCY; Complex 4 mitochondrial respiratory chain deficiency; Deficiency of mitochondrial respiratory chain complex4; Complex IV deficiency. Identifiers: MedGen C5435656, MONDO:0700250, OMIM 220110. Disease mechanism: loss of function.

Allele frequency attached by ClinVar (database versions not stated): 1000 Genomes Project 30x 0.00094; 1000 Genomes Project 0.00100; TOPMed 0.00164; ExAC 0.00201; gnomAD exomes 0.00202 and 0.00305; gnomAD 0.00214 and 0.00220; ESP Exome Variant Server 0.00277.
gnomAD v4.1: 4,775 of 1,614,118 alleles (0.3%); highest among the groups gnomAD compares: Non-Finnish European, 0.35%; 14 homozygotes.

Submissions (10):

Labcorp Genetics (formerly Invitae), Labcorp
Classification: Benign. Last evaluated: 2026-01-05. Review status: criteria provided, single submitter. Criteria: Invitae Variant Classification Sherloc (09022015). Collection method: clinical testing. Allele origin: germline.

CeGaT Center for Human Genetics Tuebingen
Classification: Likely benign. Last evaluated: 2025-10-01. Review status: criteria provided, single submitter. Criteria: CeGaT Center For Human Genetics Tuebingen Variant Classification Criteria Version 2. Collection method: clinical testing. Allele origin: germline. Affected: yes. Observed: 5 variant alleles.
Comment: COX10: BP4, BS2

Blueprint Genetics
Classification: Likely benign. Last evaluated: 2024-10-23. Review status: criteria provided, single submitter. Criteria: ACMG Guidelines, 2015. Collection method: clinical testing. Allele origin: germline.

Illumina Laboratory Services, Illumina
Classification: Uncertain significance for Mitochondrial complex IV deficiency, nuclear type 1. Last evaluated: 2018-01-13. Review status: criteria provided, single submitter. Criteria: ICSL Variant Classification Criteria 13 December 2019. Collection method: clinical testing. Allele origin: germline.

Illumina Laboratory Services, Illumina
Classification: Uncertain significance for Leigh syndrome. Last evaluated: 2018-01-13. Review status: criteria provided, single submitter. Criteria: ICSL Variant Classification Criteria 13 December 2019. Collection method: clinical testing. Allele origin: germline.

Eurofins Ntd Llc (ga)
Classification: Likely benign. Last evaluated: 2015-01-30. Review status: criteria provided, single submitter. Criteria: EGL Classification Definitions 2015. Collection method: clinical testing. Allele origin: germline. Observed: 2 variant alleles, 2 heterozygotes.

GeneDx
Classification: Benign. Last evaluated: 2014-06-03. Review status: criteria provided, single submitter. Criteria: GeneDx Variant Classification (06012015). Collection method: clinical testing. Allele origin: germline. Affected: yes.
Comment: This variant is considered likely benign or benign based on one or more of the following criteria: it is a conservative change, it occurs at a poorly conserved position in the protein, it is predicted to be benign by multiple in silico algorithms, and/or has population frequency not consistent with disease.

Mayo Clinic Laboratories, Mayo Clinic
Classification: Likely benign. Last evaluated: 2016-02-26. Review status: no assertion criteria provided. Collection method: clinical testing. Allele origin: unknown. Not counted in ClinVar's aggregate classification.

Clinical Genetics DNA and cytogenetics Diagnostics Lab, Erasmus MC, Erasmus Medical Center
Classification: Likely benign. Review status: no assertion criteria provided. Collection method: clinical testing. Allele origin: germline. Affected: yes. Study: VKGL Data-share Consensus. Not counted in ClinVar's aggregate classification.

Diagnostic Laboratory, Department of Genetics, University Medical Center Groningen
Classification: Likely benign. Review status: no assertion criteria provided. Collection method: clinical testing. Allele origin: germline. Affected: yes. Study: VKGL Data-share Consensus. Not counted in ClinVar's aggregate classification.